The following is an entry in ClinVar:

NM_001256864.2(DNAJC6):c.2696C>G (p.Thr899Ser)

Gene: DNAJC6 (DnaJ heat shock protein family (Hsp40) member C6; plus strand). Cytogenetic location: 1p31.3.
Variant type: single nucleotide variant.
Coding change: c.2696C>G on transcript NM_001256864.2 (MANE Select); coding-DNA position 2696, C replaced by G.
Protein change: p.Thr899Ser; replaces threonine 899 with serine.
Molecular consequence: missense variant.
Genome position (GRCh38, 1-based): chr1:65,411,311, C>G. VCF-style: chr1-65411311-C-G. GRCh37 (hg19) VCF-style: chr1-65876994-C-G.
Other names: c.2486C>G, p.Thr829Ser (NM_001256865.2); c.2525C>G, p.Thr842Ser (NM_014787.4); short protein forms T829S, T842S, T899S.
Identifiers: ClinVar variation 1309326 (VCV001309326.2), dbSNP rs2101644706, ClinGen allele CA340717297.

ClinVar aggregate classification (germline): Uncertain significance (1 of 4 stars; one submission).

Submission:

GeneDx
Classification: Uncertain significance. Last evaluated: 2019-10-29. Review status: criteria provided, single submitter. Criteria: GeneDx Variant Classification Process June 2021. Collection method: clinical testing. Allele origin: germline. Affected: yes.
Comment: Has not been previously published as pathogenic or benign to our knowledge; Not observed in large population cohorts (Lek et al., 2016); In silico analysis, which includes protein predictors and evolutionary conservation, supports a deleterious effect